The following is an entry in ClinVar:

ClinVar aggregate classification (germline): Uncertain significance (1 of 4 stars; one submission).

Conditions:
Hypertrophic cardiomyopathy. Also called: HYPERTROPHIC MYOCARDIOPATHY. Identifiers: Orphanet 217569, MedGen C0007194, MeSH D002312, MONDO:0005045, HP:0001639.

Submission:

Labcorp Genetics (formerly Invitae), Labcorp
Classification: Uncertain significance for Hypertrophic cardiomyopathy. Last evaluated: 2025-01-17. Review status: criteria provided, single submitter. Criteria: Invitae Variant Classification Sherloc (09022015). Collection method: clinical testing. Allele origin: germline.
Comment: This sequence change replaces aspartic acid, which is acidic and polar, with histidine, which is basic and polar, at codon 303 of the MYBPC3 protein (p.Asp303His). This variant is not present in population databases (gnomAD no frequency). This variant has not been reported in the literature in individuals affected with MYBPC3-related conditions. An algorithm developed to predict the effect of missense changes on protein structure and function (PolyPhen-2) suggests that this variant is likely to be tolerated. In summary, the available evidence is currently insufficient to determine the role of this variant in disease. Therefore, it has been classified as a Variant of Uncertain Significance.

NM_000256.3(MYBPC3):c.907G>C (p.Asp303His)

Gene: MYBPC3 (myosin binding protein C3; minus strand). Cytogenetic location: 11p11.2.
Variant type: single nucleotide variant.
Coding change: c.907G>C on transcript NM_000256.3 (MANE Select); coding-DNA position 907, G replaced by C.
Protein change: p.Asp303His; replaces aspartic acid 303 with histidine.
Molecular consequence: missense variant.
Genome position (GRCh38, 1-based): chr11:47,347,028, C>G on the plus strand (G>C on the coding strand, the complement: MYBPC3 is on the minus strand). VCF-style: chr11-47347028-C-G. GRCh37 (hg19) VCF-style: chr11-47368579-C-G.
Other names: short protein forms D303H.
Identifiers: ClinVar variation 3670504 (VCV003670504.2).